The following is an entry in ClinVar:

ClinVar aggregate classification (germline): Benign/Likely benign. Review status: criteria provided, multiple submitters, no conflicts (2 of 4 stars). 6 submissions from 6 submitters: Benign (3); Likely benign (3). Last evaluated 2024-11-13.

Conditions:
Autosomal recessive limb-girdle muscular dystrophy type 2K. Also called: MUSCULAR DYSTROPHY-DYSTROGLYCANOPATHY (LIMB-GIRDLE), TYPE C, 1; MUSCULAR DYSTROPHY, LIMB-GIRDLE, TYPE 2K. Identifiers: Orphanet 86812, MedGen C1836373, MONDO:0012248, OMIM 609308.

Allele frequency attached by ClinVar (database versions not stated): gnomAD exomes 0.00099 and 0.00239; ExAC 0.00286; gnomAD 0.00797 and 0.00840; 1000 Genomes Project 30x 0.00859; TOPMed 0.00879; 1000 Genomes Project 0.00899; ESP Exome Variant Server 0.01030.

Submissions (6):

Blueprint Genetics
Classification: Likely benign. Last evaluated: 2024-11-13. Review status: criteria provided, single submitter. Criteria: ACMG Guidelines, 2015. Collection method: clinical testing. Allele origin: germline.

Mayo Clinic Laboratories, Mayo Clinic
Classification: Benign. Last evaluated: 2018-12-06. Review status: criteria provided, single submitter. Criteria: ACMG Guidelines, 2015. Collection method: clinical testing. Allele origin: germline. Observed: 15 variant alleles.

Illumina Laboratory Services, Illumina
Classification: Likely benign for Autosomal recessive limb-girdle muscular dystrophy type 2K. Last evaluated: 2017-04-27. Review status: criteria provided, single submitter. Criteria: ICSL Variant Classification Criteria 13 December 2019. Collection method: clinical testing. Allele origin: germline.
Comment: This variant was observed as part of a predisposition screen in an ostensibly healthy population. A literature search was performed for the gene, cDNA change, and amino acid change (where applicable). No publications were found based on this search. Allele frequency data from public databases allowed determination this variant is unlikely to cause disease. Therefore, this variant is classified as likely benign.

GeneDx
Classification: Benign. Last evaluated: 2015-03-03. Review status: criteria provided, single submitter. Criteria: GeneDx Variant Classification Process June 2021. Collection method: clinical testing. Allele origin: germline. Affected: yes.

Breakthrough Genomics
Classification: Likely benign. Review status: criteria provided, single submitter. Criteria: ACMG Guidelines, 2015. Collection method: not provided. Allele origin: germline. Inheritance: Autosomal recessive inheritance. Affected: yes.

PreventionGenetics, part of Exact Sciences
Classification: Benign. Review status: criteria provided, single submitter. Criteria: ACMG Guidelines, 2015. Collection method: clinical testing. Allele origin: germline.

NM_001077365.2(POMT1):c.-6T>G

Gene: POMT1 (protein O-mannosyltransferase 1; plus strand). Cytogenetic location: 9q34.13.
Variant type: single nucleotide variant.
Coding change: c.-6T>G on transcript NM_001077365.2 (MANE Select); 6 bases upstream of the start codon, T replaced by G.
Molecular consequence: 5 prime UTR variant. On other transcripts: non-coding transcript variant (4), intron variant (9).
Genome position (GRCh38, 1-based): chr9:131,504,213, T>G. VCF-style: chr9-131504213-T-G. GRCh37 (hg19) VCF-style: chr9-134379600-T-G.
Other names: c.-6T>G (NM_001136113.2, NM_001353193.2, NM_001353196.2 and 2 more transcripts); c.-250T>G (NM_001353195.2); c.-477T>G (NM_001353198.2); c.-199T>G (NM_001374692.1); c.-157T>G (NM_001374695.1); c.-41+900T>G (NM_001353194.2); c.-72+900T>G (NM_001374691.1); c.-41+1140T>G (NM_001374689.1, NM_001353197.2, NM_001077366.2 and 1 more transcripts); and 2 more.
Identifiers: ClinVar variation 260138 (VCV000260138.10), dbSNP rs62620173, ClinGen allele CA5293126.
Genomic context (GRCh38, chr9:131,504,213, plus strand): 5'-GCCCTCATGGACCACGGCTCCTCCCTTCTTTTCTAGGGCGTCTGCCTGAGCCCGCTTTTC[T>G]ACAAGATGTGGGGATTTTTGAAGCGCCCTGTAGTGGTGACGGCTGACATCAACTTGAGCC-3'